The following is an entry in ClinVar:

NM_000212.3(ITGB3):c.970A>G (p.Lys324Glu)

Gene: ITGB3 (integrin subunit beta 3; plus strand). Cytogenetic location: 17q21.32.
Variant type: single nucleotide variant.
Coding change: c.970A>G on transcript NM_000212.3 (MANE Select); coding-DNA position 970, A replaced by G.
Protein change: p.Lys324Glu; replaces lysine 324 with glutamic acid.
Molecular consequence: missense variant.
Genome position (GRCh38, 1-based): chr17:47,289,711, A>G. VCF-style: chr17-47289711-A-G. GRCh37 (hg19) VCF-style: chr17-45367077-A-G.
Other names: NM_000212.3(ITGB3):c.970A>G; p.Lys324Glu; short protein forms K324E.
Identifiers: ClinVar variation 695750 (VCV000695750.17), dbSNP rs147263592, ClinGen allele CA8623105.
Genomic context (GRCh38, chr17:47,289,711, plus strand): 5'-CATTAACCTCTACATCCTTCATTTTCCTAGGATTATCCCTCTTTGGGGCTGATGACTGAG[A>G]AGCTATCCCAGAAAAACATCAATTTGATCTTTGCAGTGACTGAAAATGTAGTCAATCTCT-3'
Protein context (NP_000203.2, residues 314-334): DYPSLGLMTE[Lys324Glu]LSQKNINLIF

ClinVar aggregate classification (germline): Likely benign. Review status: reviewed by expert panel (3 of 4 stars). 7 submissions from 7 submitters: Likely benign (1). 6 of the submissions do not count toward it. Last evaluated 2023-04-06.

Conditions:
Glanzmann thrombasthenia. Also called: THROMBASTHENIA OF GLANZMANN AND NAEGELI; Thrombasthenia; PLATELET GLYCOPROTEIN IIb-IIIa DEFICIENCY; Glanzmann's thrombasthenia. Identifiers: Orphanet 849, MedGen C0040015, MONDO:0100326.
ITGB3-related disorder. Also called: ITGB3-related condition.

Allele frequency attached by ClinVar (database versions not stated): gnomAD exomes 0.00009 and 0.00026; ExAC 0.00031; ESP Exome Variant Server 0.00054; TOPMed 0.00087; gnomAD 0.00091 and 0.00096; 1000 Genomes Project 30x 0.00156; 1000 Genomes Project 0.00200.
gnomAD v4.1: 281 of 1,613,836 alleles (0.017%); highest among the groups gnomAD compares: African/African-American, 0.33%; no homozygotes.

Submissions (7):

ClinGen Platelet Disorders Variant Curation Expert Panel, ClinGen
Classification: Likely benign for Glanzmann thrombasthenia. Last evaluated: 2023-04-06. Review status: reviewed by expert panel. Criteria: ClinGen Platelet ACMG Specifications v2-1. Collection method: curation. Allele origin: germline. Inheritance: Autosomal recessive inheritance.
Comment: The c.970A>G variant in ITGB3 is a missense variant predicted to cause substitution of lycine by glutamic acid at amino acid 324. The variant has a high population minor allele frequency in gnomAD v2.1.1 of 0.003164 (79/24968 alleles) in the African/African American population, which is higher than the ClinGen PD VCEP threshold for BA1 (>0.0024). The computational predictor REVEL gives a score of 0.905, which is above the ClinGen PD VCEP PP3 threshold of >0.7 and predicts a damaging effect on ITGB3 function. No individuals with Glanzmann thrombasthenia have been reported with the variant to our knowledge. GeneDx reports an affected individual with this variant but their condition is not reported (SCV001875222.1). In summary, the allele frequency was considered as the more convincing of the conflicting evidence and a classification of Likely Benign was assigned for autosomal recessive Glanzmann Thrombasthenia based on the ACMG/AMP criteria applied, as specified by the ClinGen PD VCEP: BA1, PP3. (VCEP specifications version 2).

Women's Health and Genetics/Laboratory Corporation of America, LabCorp
Classification: Likely benign. Last evaluated: 2026-06-09. Review status: criteria provided, single submitter. Criteria: LabCorp Variant Classification Summary - May 2015. Collection method: clinical testing. Allele origin: germline. Not counted in ClinVar's aggregate classification.
Comment: Variant summary: ITGB3 c.970A>G (p.Lys324Glu) results in a conservative amino acid change in the encoded protein sequence. Algorithms developed to predict the effect of missense changes on protein structure and function are either unavailable or do not agree on the potential impact of this missense change. The variant allele was found at a frequency of 0.00026 in 251460 control chromosomes, predominantly at a frequency of 0.0036 within the African or African-American subpopulation in the gnomAD database. The observed variant frequency within African or African-American control individuals in the gnomAD database exceeds the estimated maximal expected allele frequency for disease-causing variants in ITGB3. To our knowledge, no occurrence of c.970A>G in individuals affected with ITGB3-related conditions and no experimental evidence demonstrating its impact on protein function have been reported. ClinVar contains an entry for this variant (Variation ID: 695750). Based on the evidence outlined above, the variant was classified as likely benign.

Labcorp Genetics (formerly Invitae), Labcorp
Classification: Likely benign. Last evaluated: 2026-01-26. Review status: criteria provided, single submitter. Criteria: Invitae Variant Classification Sherloc (09022015). Collection method: clinical testing. Allele origin: germline. Not counted in ClinVar's aggregate classification.

Mayo Clinic Laboratories, Mayo Clinic
Classification: Likely benign. Last evaluated: 2025-07-25. Review status: criteria provided, single submitter. Criteria: ACMG Guidelines, 2015. Collection method: clinical testing. Allele origin: germline. Observed: 1 variant allele. Not counted in ClinVar's aggregate classification.
Comment: BA1, BP6, PP3

Blueprint Genetics
Classification: Uncertain significance. Last evaluated: 2024-07-04. Review status: criteria provided, single submitter. Criteria: ACMG Guidelines, 2015. Collection method: clinical testing. Allele origin: germline. Not counted in ClinVar's aggregate classification.

GeneDx
Classification: Uncertain significance. Last evaluated: 2021-01-14. Review status: criteria provided, single submitter. Criteria: GeneDx Variant Classification Process June 2021. Collection method: clinical testing. Allele origin: germline. Affected: yes. Not counted in ClinVar's aggregate classification.
Comment: In silico analysis supports that this missense variant has a deleterious effect on protein structure/function; Has not been previously published as pathogenic or benign to our knowledge

PreventionGenetics, part of Exact Sciences
Classification: Likely benign for ITGB3-related condition. Last evaluated: 2022-11-18. Review status: no assertion criteria provided. Collection method: clinical testing. Allele origin: germline. Not counted in ClinVar's aggregate classification.
Comment: This variant is classified as likely benign based on ACMG/AMP sequence variant interpretation guidelines (Richards et al. 2015 PMID: 25741868, with internal and published modifications).